The following is an entry in ClinVar:

NM_003737.4(DCHS1):c.7586G>A (p.Arg2529Gln)

Gene: DCHS1 (dachsous cadherin-related 1; minus strand). Cytogenetic location: 11p15.4.
Variant type: single nucleotide variant.
Coding change: c.7586G>A on transcript NM_003737.4 (MANE Select); coding-DNA position 7586, G replaced by A.
Protein change: p.Arg2529Gln; replaces arginine 2529 with glutamine.
Molecular consequence: missense variant.
Genome position (GRCh38, 1-based): chr11:6,624,090, C>T on the plus strand (G>A on the coding strand, the complement: DCHS1 is on the minus strand). VCF-style: chr11-6624090-C-T. GRCh37 (hg19) VCF-style: chr11-6645321-C-T.
Other names: c.7586G>A (NM_003737.2); short protein forms R2529Q.
Identifiers: ClinVar variation 2710404 (VCV002710404.4), dbSNP rs1343895091, ClinGen allele CA379482778.

ClinVar aggregate classification (germline): Uncertain significance. Review status: criteria provided, multiple submitters, no conflicts (2 of 4 stars). 2 submissions from 2 submitters: Uncertain significance (2). Last evaluated 2025-05-15.

Conditions:
Inborn genetic diseases. Identifiers: MedGen C0950123, MeSH D030342.

Allele frequency attached by ClinVar (database versions not stated): TOPMed below 0.00001.
gnomAD v4.1: 2 of 1,612,160 alleles (0.00012%); highest among the groups gnomAD compares: South Asian, 0.0011%; no homozygotes.

Submissions (2):

Ambry Genetics
Classification: Uncertain significance for Inborn genetic diseases. Last evaluated: 2025-05-15. Review status: criteria provided, single submitter. Criteria: Ambry Variant Classification Scheme 2023. Collection method: clinical testing. Allele origin: germline.

Labcorp Genetics (formerly Invitae), Labcorp
Classification: Uncertain significance. Last evaluated: 2022-11-09. Review status: criteria provided, single submitter. Criteria: Invitae Variant Classification Sherloc (09022015). Collection method: clinical testing. Allele origin: germline.
Comment: This sequence change replaces arginine, which is basic and polar, with glutamine, which is neutral and polar, at codon 2529 of the DCHS1 protein (p.Arg2529Gln). This variant is present in population databases (no rsID available, gnomAD 0.003%). This variant has not been reported in the literature in individuals affected with DCHS1-related conditions. Advanced modeling of protein sequence and biophysical properties (such as structural, functional, and spatial information, amino acid conservation, physicochemical variation, residue mobility, and thermodynamic stability) performed at Invitae indicates that this missense variant is not expected to disrupt DCHS1 protein function. In summary, the available evidence is currently insufficient to determine the role of this variant in disease. Therefore, it has been classified as a Variant of Uncertain Significance.